The following is an entry in ClinVar:

ClinVar aggregate classification (germline): Uncertain significance (1 of 4 stars; one submission).

Allele frequency attached by ClinVar (database versions not stated): gnomAD exomes 0.00001.
gnomAD v4.1: 6 of 1,211,523 alleles (0.0005%); highest among the groups gnomAD compares: Non-Finnish European, 0.00067%; no homozygotes.

Submission:

GeneDx
Classification: Uncertain significance. Last evaluated: 2023-07-26. Review status: criteria provided, single submitter. Criteria: GeneDx Variant Classification Process June 2021. Collection method: clinical testing. Allele origin: germline. Affected: yes.
Comment: Not observed in large population cohorts (gnomAD); In silico analysis supports that this missense variant does not alter protein structure/function; Has not been previously published as pathogenic or benign to our knowledge

NM_004463.3(FGD1):c.2152G>A (p.Val718Met)

Gene: FGD1 (FYVE, RhoGEF and PH domain containing 1; minus strand). Cytogenetic location: Xp11.22.
Variant type: single nucleotide variant.
Coding change: c.2152G>A on transcript NM_004463.3 (MANE Select); coding-DNA position 2152, G replaced by A.
Protein change: p.Val718Met; replaces valine 718 with methionine.
Molecular consequence: missense variant.
Genome position (GRCh38, 1-based): chrX:54,449,265, C>T on the plus strand (G>A on the coding strand, the complement: FGD1 is on the minus strand). VCF-style: chrX-54449265-C-T. GRCh37 (hg19) VCF-style: chrX-54475698-C-T.
Other names: short protein forms V718M.
Identifiers: ClinVar variation 1312186 (VCV001312186.3), dbSNP rs1922318673, ClinGen allele CA413359362.
Genomic context (GRCh38, chrX:54,449,265, plus strand): 5'-GCATGCACATGGTGACTTCCTTTTCCCGGATGGGCGTAGGTGCCCGCTTCCCAAGATCCA[C>T]GTTCTGTAGGGAGGGCCAGGTCTCAGGTCAGAGACAGCTACTCCCCAGCCCAGTCCAGCC-3'
Protein context (NP_004454.2, residues 708-728): DEDTPPNSPN[Val718Met]DLGKRAPTPI